The following is an entry in ClinVar:

NM_018163.3(DNAJC17):c.859C>T (p.Arg287Trp)

Gene: DNAJC17 (DnaJ heat shock protein family (Hsp40) member C17; minus strand). Cytogenetic location: 15q15.1.
Variant type: single nucleotide variant.
Coding change: c.859C>T on transcript NM_018163.3 (MANE Select); coding-DNA position 859, C replaced by T.
Protein change: p.Arg287Trp; replaces arginine 287 with tryptophan.
Molecular consequence: missense variant.
Genome position (GRCh38, 1-based): chr15:40,767,996, G>A on the plus strand (C>T on the coding strand, the complement: DNAJC17 is on the minus strand). VCF-style: chr15-40767996-G-A. GRCh37 (hg19) VCF-style: chr15-41060194-G-A.
Other names: short protein forms R287W.
Identifiers: ClinVar variation 1995208 (VCV001995208.4), dbSNP rs2504645948, ClinGen allele CA391756632.

ClinVar aggregate classification (germline): Uncertain significance (1 of 4 stars; one submission).

Submission:

Labcorp Genetics (formerly Invitae), Labcorp
Classification: Uncertain significance. Last evaluated: 2022-05-25. Review status: criteria provided, single submitter. Criteria: Invitae Variant Classification Sherloc (09022015). Collection method: clinical testing. Allele origin: germline.
Comment: In summary, the available evidence is currently insufficient to determine the role of this variant in disease. Therefore, it has been classified as a Variant of Uncertain Significance. Algorithms developed to predict the effect of missense changes on protein structure and function are either unavailable or do not agree on the potential impact of this missense change (SIFT: "Deleterious"; PolyPhen-2: "Benign"; Align-GVGD: "Class C0"). This variant has not been reported in the literature in individuals affected with DNAJC17-related conditions. This variant is not present in population databases (gnomAD no frequency). This sequence change replaces arginine, which is basic and polar, with tryptophan, which is neutral and slightly polar, at codon 287 of the DNAJC17 protein (p.Arg287Trp).